The following is an entry in ClinVar:

NM_000528.4(MAN2B1):c.2310C>T (p.Pro770=)

Gene: MAN2B1 (mannosidase alpha class 2B member 1; minus strand). Cytogenetic location: 19p13.13.
Variant type: single nucleotide variant.
Coding change: c.2310C>T on transcript NM_000528.4 (MANE Select); coding-DNA position 2310, C replaced by T.
Protein change: p.Pro770=; no amino-acid change (proline 770 retained).
Molecular consequence: synonymous variant.
Genome position (GRCh38, 1-based): chr19:12,649,386, G>A on the plus strand (C>T on the coding strand, the complement: MAN2B1 is on the minus strand). VCF-style: chr19-12649386-G-A. GRCh37 (hg19) VCF-style: chr19-12760200-G-A.
Other names: c.2307C>T, p.Pro769= (NM_001173498.2).
Identifiers: ClinVar variation 328260 (VCV000328260.23), dbSNP rs35880640, ClinGen allele CA9226082.
Genomic context (GRCh38, chr19:12,649,386, plus strand): 5'-ATGGGGGAGAGCTACCGTGATGTAAATCCGGGTGTTGACTGGATAGTAGTTTCCTGCCAC[G>A]GGCTCCGTCTGGTTCAGTTTCCAGGTGGGTCGATAATCCCGCCTGGGGTTGGGGGTGAGC-3'
Protein context (NP_000519.2, residues 760-780): RPTWKLNQTE[Pro770=]VAGNYYPVNT

ClinVar aggregate classification (germline): Benign. Review status: criteria provided, multiple submitters, no conflicts (2 of 4 stars). 6 submissions from 6 submitters: Benign (4). 2 of the submissions do not count toward it. Last evaluated 2026-02-04.

Conditions:
Deficiency of alpha-mannosidase (MANSA). Also called: Alpha-Mannosidosis; LYSOSOMAL ALPHA-D-MANNOSIDASE DEFICIENCY; Mannosidosis, alpha-, types I and II. Identifiers: Orphanet 61, MedGen C0024748, MONDO:0009561, OMIM 248500.

Allele frequency attached by ClinVar (database versions not stated): gnomAD exomes 0.00972 and 0.01263; ExAC 0.01542; gnomAD 0.02412 and 0.02554; 1000 Genomes Project 0.02536; TOPMed 0.02568; 1000 Genomes Project 30x 0.02701; ESP Exome Variant Server 0.02929.
gnomAD v4.1: 18,043 of 1,613,058 alleles (1.1%); highest among the groups gnomAD compares: African/African-American, 6.4%; 249 homozygotes.

Submissions (6):

Labcorp Genetics (formerly Invitae), Labcorp
Classification: Benign for Deficiency of alpha-mannosidase. Last evaluated: 2026-02-04. Review status: criteria provided, single submitter. Criteria: Invitae Variant Classification Sherloc (09022015). Collection method: clinical testing. Allele origin: germline.

GeneDx
Classification: Benign. Last evaluated: 2019-09-26. Review status: criteria provided, single submitter. Criteria: GeneDx Variant Classification Process June 2021. Collection method: clinical testing. Allele origin: germline. Affected: yes.

Illumina Laboratory Services, Illumina
Classification: Benign for Deficiency of alpha-mannosidase. Last evaluated: 2018-01-12. Review status: criteria provided, single submitter. Criteria: ICSL Variant Classification Criteria 13 December 2019. Collection method: clinical testing. Allele origin: germline.
Comment: This variant was observed in the ICSL laboratory as part of a predisposition screen in an ostensibly healthy population. It had not been previously curated by ICSL or reported in the Human Gene Mutation Database (HGMD: prior to June 1st, 2018), and was therefore a candidate for classification through an automated scoring system. Utilizing variant allele frequency, disease prevalence and penetrance estimates, and inheritance mode, an automated score was calculated to assess if this variant is too frequent to cause the disease. Based on the score and internal cut-off values, a variant classified as benign is not then subjected to further curation. The score for this variant resulted in a classification of benign for this disease.

Breakthrough Genomics
Classification: Benign. Review status: criteria provided, single submitter. Criteria: ACMG Guidelines, 2015. Collection method: not provided. Allele origin: germline. Inheritance: Autosomal recessive inheritance. Affected: yes.

Natera, Inc.
Classification: Benign for Alpha-mannosidosis. Last evaluated: 2019-09-09. Review status: no assertion criteria provided. Collection method: clinical testing. Allele origin: germline. Not counted in ClinVar's aggregate classification.

Mayo Clinic Laboratories, Mayo Clinic
Classification: Benign. Last evaluated: 2017-02-27. Review status: no assertion criteria provided. Collection method: clinical testing. Allele origin: unknown. Not counted in ClinVar's aggregate classification.